The following is an entry in ClinVar:

NM_000368.5(TSC1):c.1052T>C (p.Met351Thr)

Gene: TSC1 (TSC complex subunit 1; minus strand). Cytogenetic location: 9q34.13.
Variant type: single nucleotide variant.
Coding change: c.1052T>C on transcript NM_000368.5 (MANE Select); coding-DNA position 1052, T replaced by C.
Protein change: p.Met351Thr; replaces methionine 351 with threonine.
Molecular consequence: missense variant.
Genome position (GRCh38, 1-based): chr9:132,911,091, A>G on the plus strand (T>C on the coding strand, the complement: TSC1 is on the minus strand). VCF-style: chr9-132911091-A-G. GRCh37 (hg19) VCF-style: chr9-135786478-A-G.
Other names: c.1052T>C, p.Met351Thr (NM_001162426.2, NM_001406592.1, NM_001406593.1 and 16 more transcripts); c.899T>C, p.Met300Thr (NM_001162427.2, NM_001406610.1, NM_001406611.1 and 2 more transcripts); c.689T>C, p.Met230Thr (NM_001362177.2, NM_001406614.1, NM_001406615.1 and 10 more transcripts); c.101T>C, p.Met34Thr (NM_001406627.1, NM_001406628.1, NM_001406626.1); c.2T>C, p.Met1Thr (NM_001406629.1, NM_001406630.1); short protein forms M1T, M300T, M230T, M351T, M34T.
Identifiers: ClinVar variation 2110679 (VCV002110679.4), dbSNP rs2131963501, ClinGen allele CA375367798.

ClinVar aggregate classification (germline): Uncertain significance (1 of 4 stars; one submission).

Conditions:
Tuberous sclerosis 1 (TSC1). Identifiers: Orphanet 805, MedGen C1854465, MONDO:0008612, OMIM 191100.

Submission:

Labcorp Genetics (formerly Invitae), Labcorp
Classification: Uncertain significance for Tuberous sclerosis 1. Last evaluated: 2022-03-13. Review status: criteria provided, single submitter. Criteria: Invitae Variant Classification Sherloc (09022015). Collection method: clinical testing. Allele origin: germline.
Comment: This sequence change replaces methionine, which is neutral and non-polar, with threonine, which is neutral and polar, at codon 351 of the TSC1 protein (p.Met351Thr). This variant is not present in population databases (gnomAD no frequency). This variant has not been reported in the literature in individuals affected with TSC1-related conditions. Algorithms developed to predict the effect of missense changes on protein structure and function output the following: SIFT: "Tolerated"; PolyPhen-2: "Benign"; Align-GVGD: "Class C0". The threonine amino acid residue is found in multiple mammalian species, which suggests that this missense change does not adversely affect protein function. In summary, the available evidence is currently insufficient to determine the role of this variant in disease. Therefore, it has been classified as a Variant of Uncertain Significance.